The following is an entry in ClinVar:

ClinVar aggregate classification (germline): Likely benign (1 of 4 stars; one submission).

Conditions:
PKD1-related disorder. Also called: PKD1-related condition.

gnomAD v4.1: 27 of 1,610,364 alleles (0.0017%); highest among the groups gnomAD compares: African/African-American, 0.0027%; no homozygotes.

Submission:

PreventionGenetics, part of Exact Sciences
Classification: Likely benign for PKD1-related condition. Last evaluated: 2026-09-08. Review status: criteria provided, single submitter. Criteria: ACMG Guidelines, 2015. Collection method: clinical testing. Allele origin: germline.
Comment: This variant is classified as likely benign based on ACMG/AMP sequence variant interpretation guidelines (Richards et al. 2015 PMID: 25741868, with internal and published modifications).

NM_001009944.3(PKD1):c.4188C>T (p.Asp1396=)

Gene: PKD1 (polycystin 1, transient receptor potential channel interacting; minus strand). Cytogenetic location: 16p13.3.
Variant type: single nucleotide variant.
Coding change: c.4188C>T on transcript NM_001009944.3 (MANE Select); coding-DNA position 4188, C replaced by T.
Protein change: p.Asp1396=; no amino-acid change (aspartic acid 1396 retained).
Molecular consequence: synonymous variant.
Genome position (GRCh38, 1-based): chr16:2,110,979, G>A on the plus strand (C>T on the coding strand, the complement: PKD1 is on the minus strand). VCF-style: chr16-2110979-G-A. GRCh37 (hg19) VCF-style: chr16-2160980-G-A.
Other names: c.4188C>T, p.Asp1396= (NM_000296.4).
Identifiers: ClinVar variation 4987808 (VCV004987808.1).
Genomic context (GRCh38, chr16:2,110,979, plus strand): 5'-AAAGTCCCAGGTGTAGCGGTAGGGGAACGGGGGCCAGGCACATGCCACCAGCCAGGCCTC[G>A]TCCCCGAGCTGCACAAACTGCCTCTCTGGCTGCAGGGTGACGTTGCCCACCTCTGGCTCC-3'
Protein context (NP_001009944.3, residues 1386-1406): QPERQFVQLG[Asp1396=]EAWLVACAWP